The following is an entry in ClinVar:

ClinVar aggregate classification (germline): Uncertain significance. Review status: criteria provided, multiple submitters, no conflicts (2 of 4 stars). 3 submissions from 3 submitters: Uncertain significance (3). Last evaluated 2024-06-28.

Conditions:
Retinal dystrophy. Also called: Inherited retinal dystrophy. Identifiers: Orphanet 71862, MedGen C0854723, MeSH D058499, MONDO:0019118, HP:0000556.

Allele frequency attached by ClinVar (database versions not stated): gnomAD 0.00001 and 0.00002; ExAC 0.00004; gnomAD exomes 0.00004; TOPMed 0.00006.
gnomAD v4.1: 55 of 1,571,308 alleles (0.0035%); highest among the groups gnomAD compares: East Asian, 0.1%; no homozygotes.

Submissions (3):

Blueprint Genetics
Classification: Uncertain significance. Last evaluated: 2024-06-28. Review status: criteria provided, single submitter. Criteria: ACMG Guidelines, 2015. Collection method: clinical testing. Allele origin: germline.

Dept Of Ophthalmology, Nagoya University
Classification: Uncertain significance for Retinal dystrophy. Last evaluated: 2023-10-01. Review status: criteria provided, single submitter. Criteria: Submitter's publication. Collection method: research. Allele origin: germline. Affected: yes.

Labcorp Genetics (formerly Invitae), Labcorp
Classification: Uncertain significance. Last evaluated: 2022-11-01. Review status: criteria provided, single submitter. Criteria: Invitae Variant Classification Sherloc (09022015). Collection method: clinical testing. Allele origin: germline.
Comment: In summary, the available evidence is currently insufficient to determine the role of this variant in disease. Therefore, it has been classified as a Variant of Uncertain Significance. Algorithms developed to predict the effect of missense changes on protein structure and function (SIFT, PolyPhen-2, Align-GVGD) all suggest that this variant is likely to be disruptive. ClinVar contains an entry for this variant (Variation ID: 1040832). This variant has not been reported in the literature in individuals affected with KIAA1549-related conditions. This variant is present in population databases (rs781740183, gnomAD 0.04%). This sequence change replaces glutamic acid, which is acidic and polar, with lysine, which is basic and polar, at codon 1458 of the KIAA1549 protein (p.Glu1458Lys).

NM_001164665.2(KIAA1549):c.4372G>A (p.Glu1458Lys)

Gene: KIAA1549 (KIAA1549; minus strand). Cytogenetic location: 7q34.
Variant type: single nucleotide variant.
Coding change: c.4372G>A on transcript NM_001164665.2 (MANE Select); coding-DNA position 4372, G replaced by A.
Protein change: p.Glu1458Lys; replaces glutamic acid 1458 with lysine.
Molecular consequence: missense variant.
Genome position (GRCh38, 1-based): chr7:138,871,336, C>T on the plus strand (G>A on the coding strand, the complement: KIAA1549 is on the minus strand). VCF-style: chr7-138871336-C-T. GRCh37 (hg19) VCF-style: chr7-138556082-C-T.
Other names: c.4372G>A, p.Glu1458Lys (NM_020910.3); short protein forms E1458K.
Identifiers: ClinVar variation 1040832 (VCV001040832.12), dbSNP rs781740183, ClinGen allele CA4505919.